The following is an entry in ClinVar:

NM_001370.2(DNAH6):c.8692G>A (p.Val2898Ile)

Gene: DNAH6 (dynein axonemal heavy chain 6; plus strand). Cytogenetic location: 2p11.2.
Variant type: single nucleotide variant.
Coding change: c.8692G>A on transcript NM_001370.2 (MANE Select); coding-DNA position 8692, G replaced by A.
Protein change: p.Val2898Ile; replaces valine 2898 with isoleucine.
Molecular consequence: missense variant.
Genome position (GRCh38, 1-based): chr2:84,705,712, G>A. VCF-style: chr2-84705712-G-A. GRCh37 (hg19) VCF-style: chr2-84932836-G-A.
Other names: short protein forms V2898I.
Identifiers: ClinVar variation 402743 (VCV000402743.7), dbSNP rs1192269, ClinGen allele CA1737546.

ClinVar aggregate classification (germline): Benign. Review status: criteria provided, multiple submitters, no conflicts (2 of 4 stars). 3 submissions from 3 submitters: Benign (3). Last evaluated 2021-05-04.

Allele frequency attached by ClinVar (database versions not stated): 1000 Genomes Project 0.03215; 1000 Genomes Project 30x 0.03310; TOPMed 0.03525; gnomAD 0.03746 and 0.03795; gnomAD exomes 0.04033 and 0.05049; ESP Exome Variant Server 0.04227; ExAC 0.04740.

Submissions (10):

GeneDx
Classification: Benign. Last evaluated: 2021-05-04. Review status: criteria provided, single submitter. Criteria: GeneDx Variant Classification Process June 2021. Collection method: clinical testing. Allele origin: germline. Affected: yes.

Laboratory for Molecular Medicine, Mass General Brigham Personalized Medicine
Classification: Benign. Last evaluated: 2016-03-28. Review status: criteria provided, single submitter. Criteria: LMM Criteria. Collection method: clinical testing. Allele origin: germline.
Comment: Variant identified in a genome or exome case(s) and assessed due to predicted null impact of the variant or pathogenic assertions in the literature or databases. Disclaimer: This variant has not undergone full assessment. The following are preliminary notes: MAF

Breakthrough Genomics
Classification: Benign. Review status: criteria provided, single submitter. Criteria: ACMG Guidelines, 2015. Collection method: not provided. Allele origin: germline. Inheritance: Unknown mechanism. Affected: yes.

Dr. Peter K. Rogan Lab, Western University
No classification provided (evidence only). Condition: Acute myeloid leukemia. Review status: no classification provided. Collection method: in vitro. Allele origin: not applicable. Functional consequence: retained intron. Not counted in ClinVar's aggregate classification.

Dr. Peter K. Rogan Lab, Western University
No classification provided (evidence only). Condition: Acute myeloid leukemia. Review status: no classification provided. Collection method: in vitro. Allele origin: not applicable. Functional consequence: retained intron. Not counted in ClinVar's aggregate classification.

Dr. Peter K. Rogan Lab, Western University
No classification provided (evidence only). Condition: Colon adenocarcinoma. Review status: no classification provided. Collection method: in vitro. Allele origin: not applicable. Functional consequence: retained intron. Not counted in ClinVar's aggregate classification.

Dr. Peter K. Rogan Lab, Western University
No classification provided (evidence only). Condition: Colon adenocarcinoma. Review status: no classification provided. Collection method: in vitro. Allele origin: not applicable. Functional consequence: retained intron. Not counted in ClinVar's aggregate classification.

Dr. Peter K. Rogan Lab, Western University
No classification provided (evidence only). Condition: Ovarian serous cystadenocarcinoma. Review status: no classification provided. Collection method: in vitro. Allele origin: not applicable. Functional consequence: retained intron. Not counted in ClinVar's aggregate classification.

Dr. Peter K. Rogan Lab, Western University
No classification provided (evidence only). Condition: Ovarian serous cystadenocarcinoma. Review status: no classification provided. Collection method: in vitro. Allele origin: not applicable. Functional consequence: retained intron. Not counted in ClinVar's aggregate classification.

Dr. Peter K. Rogan Lab, Western University
No classification provided (evidence only). Condition: Malignant tumor of esophagus. Review status: no classification provided. Collection method: in vitro. Allele origin: not applicable. Functional consequence: retained intron. Not counted in ClinVar's aggregate classification.